The following is an entry in ClinVar:

NM_017617.5(NOTCH1):c.1237G>A (p.Val413Met)

Gene: NOTCH1 (notch receptor 1; minus strand). Cytogenetic location: 9q34.3.
Variant type: single nucleotide variant.
Coding change: c.1237G>A on transcript NM_017617.5 (MANE Select); coding-DNA position 1237, G replaced by A.
Protein change: p.Val413Met; replaces valine 413 with methionine.
Molecular consequence: missense variant.
Genome position (GRCh38, 1-based): chr9:136,518,155, C>T on the plus strand (G>A on the coding strand, the complement: NOTCH1 is on the minus strand). VCF-style: chr9-136518155-C-T. GRCh37 (hg19) VCF-style: chr9-139412607-C-T.
Other names: c.1237G>A, p.Val413Met (LRG_1122t1); short protein forms V413M.
Identifiers: ClinVar variation 578001 (VCV000578001.15), dbSNP rs373770404, ClinGen allele CA5341879.

ClinVar aggregate classification (germline): Conflicting classifications of pathogenicity. Review status: criteria provided, conflicting classifications (1 of 4 stars). 5 submissions from 4 submitters: Uncertain significance (4); Benign (1). Last evaluated 2026-01-31.

Conditions:
Adams-Oliver syndrome 5 (AOS5). Identifiers: Orphanet 974, MedGen C4014970, MONDO:0014459, OMIM 616028.
Familial thoracic aortic aneurysm and aortic dissection (TAAD). Also called: Thoracic aortic aneurysms and dissections. Identifiers: Orphanet 91387, MedGen C4707243, MONDO:0019625.
Aortic valve disease 1 (AOVD1). Identifiers: MedGen C3887892, MONDO:0024523, OMIM 109730.

Allele frequency attached by ClinVar (database versions not stated): gnomAD 0.00001; TOPMed 0.00002; gnomAD exomes 0.00004 and 0.00005; ExAC 0.00011; ESP Exome Variant Server 0.00016.
gnomAD v4.1: 66 of 1,592,766 alleles (0.0041%); highest among the groups gnomAD compares: Non-Finnish European, 0.0053%; no homozygotes.

Submissions (5):

Labcorp Genetics (formerly Invitae), Labcorp
Classification: Benign for Adams-Oliver syndrome 5. Last evaluated: 2026-01-31. Review status: criteria provided, single submitter. Criteria: Invitae Variant Classification Sherloc (09022015). Collection method: clinical testing. Allele origin: germline.

Ambry Genetics
Classification: Uncertain significance for Familial thoracic aortic aneurysm and aortic dissection. Last evaluated: 2024-06-27. Review status: criteria provided, single submitter. Criteria: Ambry Variant Classification Scheme 2023. Collection method: clinical testing. Allele origin: germline.
Comment: The p.V413M variant (also known as c.1237G>A), located in coding exon 7 of the NOTCH1 gene, results from a G to A substitution at nucleotide position 1237. The valine at codon 413 is replaced by methionine, an amino acid with highly similar properties. This amino acid position is well conserved in available vertebrate species. In addition, the in silico prediction for this alteration is inconclusive. Based on the available evidence, the clinical significance of this variant remains unclear.

Genome-Nilou Lab
Classification: Uncertain significance for Adams-Oliver syndrome 5. Last evaluated: 2022-03-15. Review status: criteria provided, single submitter. Criteria: ACMG Guidelines, 2015. Collection method: clinical testing. Allele origin: germline. Affected: no.

Genome-Nilou Lab
Classification: Uncertain significance for Aortic valve disease 1. Last evaluated: 2022-03-15. Review status: criteria provided, single submitter. Criteria: ACMG Guidelines, 2015. Collection method: clinical testing. Allele origin: germline. Affected: no.

CHEO Genetics Diagnostic Laboratory, Children's Hospital of Eastern Ontario
Classification: Uncertain significance for Familial thoracic aortic aneurysm and aortic dissection. Last evaluated: 2017-09-26. Review status: criteria provided, single submitter. Criteria: ACMG Guidelines, 2015. Collection method: clinical testing. Allele origin: germline. Study: Canadian Open Genetics Repository.